The following is an entry in ClinVar:

ClinVar aggregate classification (germline): Pathogenic (1 of 4 stars; one submission).

Conditions:
Ataxia-telangiectasia syndrome (AT). Also called: Cerebello-oculocutaneous telangiectasia; Immunodeficiency with ataxia telangiectasia; ATAXIA-TELANGIECTASIA, FRESNO VARIANT; Ataxia-telangiectasia, complementation group D; Ataxia telangiectasia (A-T); LOUIS-BAR SYNDROME. Identifiers: Orphanet 100, MedGen C0004135, MONDO:0008840, OMIM 208900.

Submission:

Labcorp Genetics (formerly Invitae), Labcorp
Classification: Pathogenic for Ataxia-telangiectasia syndrome. Last evaluated: 2024-05-06. Review status: criteria provided, single submitter. Criteria: Invitae Variant Classification Sherloc (09022015). Collection method: clinical testing. Allele origin: germline.
Comment: This sequence change creates a premature translational stop signal (p.Cys1286*) in the ATM gene. It is expected to result in an absent or disrupted protein product. Loss-of-function variants in ATM are known to be pathogenic (PMID: 23807571, 25614872). This variant is not present in population databases (gnomAD no frequency). This variant has not been reported in the literature in individuals affected with ATM-related conditions. ClinVar contains an entry for this variant (Variation ID: 1075579). For these reasons, this variant has been classified as Pathogenic.

Literature cited by the submitters: PubMed 23807571; PubMed 25614872.

NM_000051.4(ATM):c.3858C>A (p.Cys1286Ter)

Gene: ATM (ATM serine/threonine kinase; plus strand). Cytogenetic location: 11q22.3.
Variant type: single nucleotide variant.
Coding change: c.3858C>A on transcript NM_000051.4 (MANE Select); coding-DNA position 3858, C replaced by A.
Protein change: p.Cys1286Ter; replaces cysteine 1286 with a stop codon.
Molecular consequence: nonsense.
Genome position (GRCh38, 1-based): chr11:108,284,338, C>A. VCF-style: chr11-108284338-C-A. GRCh37 (hg19) VCF-style: chr11-108155065-C-A.
Other names: c.3858C>A, p.Cys1286Ter (NM_001351834.2); short protein forms C1286*.
Identifiers: ClinVar variation 1075579 (VCV001075579.7), dbSNP rs2082381612, ClinGen allele CA382525242.